The following is an entry in ClinVar:

NM_024675.4(PALB2):c.2899A>T (p.Lys967Ter)

Gene: PALB2 (partner and localizer of BRCA2; minus strand). Cytogenetic location: 16p12.2.
Variant type: single nucleotide variant.
Coding change: c.2899A>T on transcript NM_024675.4 (MANE Select); coding-DNA position 2899, A replaced by T.
Protein change: p.Lys967Ter; replaces lysine 967 with a stop codon.
Molecular consequence: nonsense. On other transcripts: intron variant (1).
Genome position (GRCh38, 1-based): chr16:23,623,066, T>A on the plus strand (A>T on the coding strand, the complement: PALB2 is on the minus strand). VCF-style: chr16-23623066-T-A. GRCh37 (hg19) VCF-style: chr16-23634387-T-A.
Other names: c.2839A>T, p.Lys947Ter (NM_001407296.1); c.2827A>T, p.Lys943Ter (NM_001407297.1); c.2737A>T, p.Lys913Ter (NM_001407298.1, NM_001407302.1); c.2899A>T, p.Lys967Ter (NM_001407299.1, NM_001407301.1); c.2014A>T, p.Lys672Ter (NM_001407304.1, NM_001407305.1, NM_001407306.1 and 4 more transcripts); c.1852A>T, p.Lys618Ter (NM_001407307.1); c.1111A>T, p.Lys371Ter (NM_001407312.1, NM_001407313.1); c.433A>T, p.Lys145Ter (NM_001407314.1); and 1 more; short protein forms K145*, K371*, K618*, K672*, K913*, K943*, K947*, K967*.
Identifiers: ClinVar variation 4533157 (VCV004533157.1).

ClinVar aggregate classification (germline): Pathogenic (1 of 4 stars; one submission).

Submission:

Quest Diagnostics Nichols Institute San Juan Capistrano
Classification: Pathogenic. Last evaluated: 2025-06-25. Review status: criteria provided, single submitter. Criteria: Quest Diagnostics criteria. Collection method: clinical testing. Allele origin: unknown.
Comment: The PALB2 c.2899A>T (p.Lys967*) variant causes the premature termination of PALB2 protein synthesis. This variant has been reported in the published literature in an individual with prostate cancer (PMID: 31214711 (2020)). This variant has not been reported in large, multi-ethnic general populations (Genome Aggregation Database). Based on the available information, this variant is classified as pathogenic.

Literature cited by the submitters: PubMed 31214711.